The following is an entry in ClinVar:

ClinVar aggregate classification (germline): Uncertain significance (1 of 4 stars; one submission).

Conditions:
Werner syndrome (WRN). Identifiers: Orphanet 902, MedGen C0043119, MONDO:0010196, OMIM 277700.

Allele frequency attached by ClinVar (database versions not stated): gnomAD exomes below 0.00001.
gnomAD v4.1: 1 of 1,612,936 alleles (0.000062%); highest among the groups gnomAD compares: Non-Finnish European, 0.000085%; no homozygotes.

Submission:

Labcorp Genetics (formerly Invitae), Labcorp
Classification: Uncertain significance for Werner syndrome. Last evaluated: 2022-09-01. Review status: criteria provided, single submitter. Criteria: Invitae Variant Classification Sherloc (09022015). Collection method: clinical testing. Allele origin: germline.
Comment: In summary, the available evidence is currently insufficient to determine the role of this variant in disease. Therefore, it has been classified as a Variant of Uncertain Significance. Algorithms developed to predict the effect of missense changes on protein structure and function are either unavailable or do not agree on the potential impact of this missense change (SIFT: "Not Available"; PolyPhen-2: "Benign"; Align-GVGD: "Not Available"). This variant has not been reported in the literature in individuals affected with WRN-related conditions. This variant is not present in population databases (gnomAD no frequency). This sequence change replaces leucine, which is neutral and non-polar, with valine, which is neutral and non-polar, at codon 452 of the WRN protein (p.Leu452Val).

NM_000553.6(WRN):c.1354T>G (p.Leu452Val)

Gene: WRN (WRN RecQ like helicase; plus strand). Cytogenetic location: 8p12.
Variant type: single nucleotide variant.
Coding change: c.1354T>G on transcript NM_000553.6 (MANE Select); coding-DNA position 1354, T replaced by G.
Protein change: p.Leu452Val; replaces leucine 452 with valine.
Molecular consequence: missense variant.
Genome position (GRCh38, 1-based): chr8:31,085,169, T>G. VCF-style: chr8-31085169-T-G. GRCh37 (hg19) VCF-style: chr8-30942685-T-G.
Other names: short protein forms L452V.
Identifiers: ClinVar variation 2102460 (VCV002102460.4), dbSNP rs2535919216, ClinGen allele CA370923652.